The following is an entry in ClinVar:

NM_173728.4(ARHGEF15):c.2366C>A (p.Thr789Asn)

Gene: ARHGEF15 (Rho guanine nucleotide exchange factor 15; plus strand). Cytogenetic location: 17p13.1.
Variant type: single nucleotide variant.
Coding change: c.2366C>A on transcript NM_173728.4 (MANE Select); coding-DNA position 2366, C replaced by A.
Protein change: p.Thr789Asn; replaces threonine 789 with asparagine.
Molecular consequence: missense variant.
Genome position (GRCh38, 1-based): chr17:8,319,595, C>A. VCF-style: chr17-8319595-C-A. GRCh37 (hg19) VCF-style: chr17-8222913-C-A.
Other names: c.2366C>A, p.Thr789Asn (NM_025014.2); short protein forms T789N.
Identifiers: ClinVar variation 412679 (VCV000412679.16), dbSNP rs76729434, ClinGen allele CA8375513.

ClinVar aggregate classification (germline): Benign. Review status: criteria provided, multiple submitters, no conflicts (2 of 4 stars). 3 submissions from 3 submitters: Benign (2). 1 of the submissions does not count toward it. Last evaluated 2026-01-09.

Conditions:
Early-infantile DEE. Also called: Ohtahara syndrome; Early infantile epileptic encephalopathy with suppression bursts; Early infantile epileptic encephalopathy. Identifiers: Orphanet 1934, MedGen C0393706, MONDO:0800491.
ARHGEF15-related disorder. Also called: ARHGEF15-related condition.

Allele frequency attached by ClinVar (database versions not stated): gnomAD exomes 0.00116; ExAC 0.00132; gnomAD 0.00440 and 0.00477; TOPMed 0.00454; ESP Exome Variant Server 0.00484; 1000 Genomes Project 0.00519; 1000 Genomes Project 30x 0.00656.
gnomAD v4.1: 1,201 of 1,567,452 alleles (0.077%); highest among the groups gnomAD compares: African/African-American, 1.5%; 11 homozygotes.

Submissions (3):

Labcorp Genetics (formerly Invitae), Labcorp
Classification: Benign for Early-infantile DEE. Last evaluated: 2026-01-09. Review status: criteria provided, single submitter. Criteria: Invitae Variant Classification Sherloc (09022015). Collection method: clinical testing. Allele origin: germline.

Breakthrough Genomics
Classification: Benign. Review status: criteria provided, single submitter. Criteria: ACMG Guidelines, 2015. Collection method: not provided. Allele origin: germline. Inheritance: Unknown mechanism. Affected: yes.

PreventionGenetics, part of Exact Sciences
Classification: Likely benign for ARHGEF15-related condition. Last evaluated: 2019-03-27. Review status: no assertion criteria provided. Collection method: clinical testing. Allele origin: germline. Not counted in ClinVar's aggregate classification.
Comment: This variant is classified as likely benign based on ACMG/AMP sequence variant interpretation guidelines (Richards et al. 2015 PMID: 25741868, with internal and published modifications).